The following is an entry in ClinVar:

ClinVar aggregate classification (germline): Pathogenic/Likely pathogenic. Review status: criteria provided, multiple submitters, no conflicts (2 of 4 stars). 4 submissions from 4 submitters: Pathogenic (2); Likely pathogenic (2). Last evaluated 2026-10-19.

Conditions:
RP1-related dominant retinopathy. Identifiers: MedGen CN322606, MONDO:0800400.
Retinitis pigmentosa 1 (RP1). Identifiers: Orphanet 791, MedGen C0220701, MONDO:0008377, OMIM 180100.
RP1-related disorder. Also called: RP1-related condition.

Submissions (4):

Department of Ophthalmology, Seoul National University Bundang Hospital
Classification: Pathogenic for RP1-related dominant retinopathy. Last evaluated: 2026-10-19. Review status: criteria provided, single submitter. Criteria: ACMG Guidelines, 2015. Collection method: clinical testing. Allele origin: germline. Inheritance: Autosomal dominant inheritance. Affected: yes.
Comment: Nonsense variant in exon 4, within the dominant cluster. Identified in a Korean multicenter RP1 cohort (PMID:42847597) with dominant retinitis pigmentosa. ACMG/AMP criteria: PVS1, PS4, PM2. Previously reported by Zampaglione et al., 2020 (PMID:32037395).

Labcorp Genetics (formerly Invitae), Labcorp
Classification: Pathogenic. Last evaluated: 2025-07-02. Review status: criteria provided, single submitter. Criteria: Invitae Variant Classification Sherloc (09022015). Collection method: clinical testing. Allele origin: germline.
Comment: This sequence change creates a premature translational stop signal (p.Gln715*) in the RP1 gene. While this is not anticipated to result in nonsense mediated decay, it is expected to disrupt the last 1442 amino acid(s) of the RP1 protein. This variant is not present in population databases (gnomAD no frequency). This premature translational stop signal has been observed in individual(s) with RP1-related conditions (PMID: 32037395, 38219857). ClinVar contains an entry for this variant (Variation ID: 3775460). This variant disrupts the C-terminus of the RP1 protein. Many variants that disrupt this region have been reported in individuals with either autosomal dominant or autosomal recessive retinitis pigmentosa (PMID: 11527933, 19933189, 29425069, 30027431, 33681214). Therefore, variants that disrupt this region are expected to be disease-causing. For these reasons, this variant has been classified as Pathogenic.

3billion
Classification: Likely pathogenic for Retinitis pigmentosa 1. Last evaluated: 2024-07-26. Review status: criteria provided, single submitter. Criteria: ACMG Guidelines, 2015. Collection method: clinical testing. Allele origin: germline. Affected: yes.
Comment: The variant is not observed in the gnomAD v4.0.0 dataset. Predicted Consequence/Location: Stop-gained (nonsense): predicted to result in a loss or disruption of normal protein function through protein truncation. The predicted truncated protein may be shortened by more than 10%. The variant has been reported to be associated with RP1 related disorder (PMID: 32037395 /3billion dataset). Therefore, this variant is classified as Likely pathogenic according to the recommendation of ACMG/AMP guideline.

Blueprint Genetics
Classification: Likely pathogenic for RP1-related disorders. Last evaluated: 2019-09-13. Review status: criteria provided, single submitter. Criteria: ACMG Guidelines, 2015. Collection method: clinical testing. Allele origin: germline. Affected: yes. Observed: 1 variant allele.

Literature cited by the submitters: PubMed 42847597 (cited by Department of Ophthalmology, Seoul National University Bundang Hospital); PubMed 32037395 (cited by 3 submitters); PubMed 38219857 (cited by Labcorp Genetics (formerly Invitae), Labcorp); PubMed 11527933 (cited by Labcorp Genetics (formerly Invitae), Labcorp); PubMed 19933189 (cited by Labcorp Genetics (formerly Invitae), Labcorp); PubMed 29425069 (cited by Labcorp Genetics (formerly Invitae), Labcorp); PubMed 30027431 (cited by Labcorp Genetics (formerly Invitae), Labcorp); PubMed 33681214 (cited by Labcorp Genetics (formerly Invitae), Labcorp).

NM_006269.2(RP1):c.2143C>T (p.Gln715Ter)

Gene: RP1 (RP1 axonemal microtubule associated; plus strand). Cytogenetic location: 8q12.1.
Variant type: single nucleotide variant.
Coding change: c.2143C>T on transcript NM_006269.2 (MANE Select); coding-DNA position 2143, C replaced by T.
Protein change: p.Gln715Ter; replaces glutamine 715 with a stop codon.
Molecular consequence: nonsense. On other transcripts: intron variant (1).
Genome position (GRCh38, 1-based): chr8:54,626,025, C>T. VCF-style: chr8-54626025-C-T. GRCh37 (hg19) VCF-style: chr8-55538585-C-T.
Other names: p.Gln715*; c.787+3737C>T (NM_001375654.1); short protein forms Q715*.
Identifiers: ClinVar variation 3775460 (VCV003775460.5).